The following is an entry in ClinVar:

NM_014363.6(SACS):c.10675C>G (p.Pro3559Ala)

Gene: SACS (sacsin molecular chaperone; minus strand). Cytogenetic location: 13q12.12.
Variant type: single nucleotide variant.
Coding change: c.10675C>G on transcript NM_014363.6 (MANE Select); coding-DNA position 10675, C replaced by G.
Protein change: p.Pro3559Ala; replaces proline 3559 with alanine.
Molecular consequence: missense variant.
Genome position (GRCh38, 1-based): chr13:23,333,201, G>C on the plus strand (C>G on the coding strand, the complement: SACS is on the minus strand). VCF-style: chr13-23333201-G-C. GRCh37 (hg19) VCF-style: chr13-23907340-G-C.
Other names: c.10234C>G, p.Pro3412Ala (NM_001278055.2); short protein forms P3559A, P3412A.
Identifiers: ClinVar variation 448186 (VCV000448186.8), dbSNP rs767704103, ClinGen allele CA6910413.

ClinVar aggregate classification (germline): Uncertain significance. Review status: criteria provided, multiple submitters, no conflicts (2 of 4 stars). 3 submissions from 3 submitters: Uncertain significance (3). Last evaluated 2026-01-08.

Conditions:
Spastic paraplegia. Identifiers: MedGen C0037772, HP:0001258.
Charlevoix-Saguenay spastic ataxia (SACS). Also called: SPASTIC ATAXIA 6, AUTOSOMAL RECESSIVE; AUTOSOMAL RECESSIVE SPASTIC ATAXIA OF CHARLEVOIX-SAGUENAY; Spastic ataxia of Charlevoix-Saguenay. Identifiers: Orphanet 98, MedGen C1849140, MONDO:0010041, OMIM 270550.

Allele frequency attached by ClinVar (database versions not stated): ExAC 0.00001; gnomAD 0.00003; gnomAD exomes below 0.00001.
gnomAD v4.1: 1 of 1,598,660 alleles (0.000063%); highest among the groups gnomAD compares: Non-Finnish European, 0.000085%; no homozygotes.

Submissions (3):

Labcorp Genetics (formerly Invitae), Labcorp
Classification: Uncertain significance for Spastic paraplegia. Last evaluated: 2026-01-08. Review status: criteria provided, single submitter. Criteria: Invitae Variant Classification Sherloc (09022015). Collection method: clinical testing. Allele origin: germline.
Comment: This sequence change replaces proline, which is neutral and non-polar, with alanine, which is neutral and non-polar, at codon 3559 of the SACS protein (p.Pro3559Ala). The frequency data for this variant in the population databases is considered unreliable, as metrics indicate poor data quality at this position in the gnomAD database. This variant has not been reported in the literature in individuals affected with SACS-related conditions. ClinVar contains an entry for this variant (Variation ID: 448186). Invitae Evidence Modeling of protein sequence and biophysical properties (such as structural, functional, and spatial information, amino acid conservation, physicochemical variation, residue mobility, and thermodynamic stability) indicates that this missense variant is not expected to disrupt SACS protein function with a negative predictive value of 95%. In summary, the available evidence is currently insufficient to determine the role of this variant in disease. Therefore, it has been classified as a Variant of Uncertain Significance.

Athena Diagnostics
Classification: Uncertain significance. Last evaluated: 2022-12-23. Review status: criteria provided, single submitter. Criteria: Athena Diagnostics Criteria. Collection method: clinical testing. Allele origin: unknown.
Comment: Available data are insufficient to determine the clinical significance of the variant at this time. The frequency of this variant in the general population is uninformative in assessment of its pathogenicity. Computational tools predict that this variant is not damaging.

Genome-Nilou Lab
Classification: Uncertain significance for Charlevoix-Saguenay spastic ataxia. Last evaluated: 2021-09-05. Review status: criteria provided, single submitter. Criteria: ACMG Guidelines, 2015. Collection method: clinical testing. Allele origin: germline. Affected: no.